The following is an entry in ClinVar:

NM_005732.4(RAD50):c.1672A>G (p.Arg558Gly)

Gene: RAD50 (RAD50 double strand break repair protein; plus strand). Cytogenetic location: 5q31.1.
Variant type: single nucleotide variant.
Coding change: c.1672A>G on transcript NM_005732.4 (MANE Select); coding-DNA position 1672, A replaced by G.
Protein change: p.Arg558Gly; replaces arginine 558 with glycine.
Molecular consequence: missense variant.
Genome position (GRCh38, 1-based): chr5:132,591,913, A>G. VCF-style: chr5-132591913-A-G. GRCh37 (hg19) VCF-style: chr5-131927605-A-G.
Other names: short protein forms R558G.
Identifiers: ClinVar variation 142947 (VCV000142947.14), dbSNP rs587782841, ClinGen allele CA169840.

ClinVar aggregate classification (germline): Uncertain significance. Review status: criteria provided, multiple submitters, no conflicts (2 of 4 stars). 2 submissions from 2 submitters: Uncertain significance (2). Last evaluated 2024-05-20.

Conditions:
Hereditary cancer-predisposing syndrome. Also called: Hereditary Cancer Syndrome; Neoplastic Syndromes, Hereditary; Hereditary neoplastic syndrome; Tumor predisposition. Identifiers: Orphanet 140162, MedGen C0027672, MeSH D009386, MONDO:0015356.

Allele frequency attached by ClinVar (database versions not stated): gnomAD exomes below 0.00001 and 0.00001; TOPMed below 0.00001.
gnomAD v4.1: 13 of 1,608,644 alleles (0.00081%); highest among the groups gnomAD compares: Non-Finnish European, 0.001%; no homozygotes.

Submissions (2):

Ambry Genetics
Classification: Uncertain significance for Hereditary cancer-predisposing syndrome. Last evaluated: 2024-05-20. Review status: criteria provided, single submitter. Criteria: Ambry Variant Classification Scheme 2023. Collection method: clinical testing. Allele origin: germline.
Comment: The p.R558G variant (also known as c.1672A>G), located in coding exon 11 of the RAD50 gene, results from an A to G substitution at nucleotide position 1672. The arginine at codon 558 is replaced by glycine, an amino acid with dissimilar properties. This amino acid position is highly conserved in available vertebrate species. In addition, the in silico prediction for this alteration is inconclusive. Since supporting evidence is limited at this time, the clinical significance of this alteration remains unclear.

Labcorp Genetics (formerly Invitae), Labcorp
Classification: Uncertain significance for Hereditary cancer-predisposing syndrome. Last evaluated: 2023-08-02. Review status: criteria provided, single submitter. Criteria: Invitae Variant Classification Sherloc (09022015). Collection method: clinical testing. Allele origin: germline.
Comment: This variant is present in population databases (rs587782841, gnomAD 0.0009%). This variant has not been reported in the literature in individuals affected with RAD50-related conditions. ClinVar contains an entry for this variant (Variation ID: 142947). Advanced modeling of protein sequence and biophysical properties (such as structural, functional, and spatial information, amino acid conservation, physicochemical variation, residue mobility, and thermodynamic stability) has been performed at Invitae for this missense variant, however the output from this modeling did not meet the statistical confidence thresholds required to predict the impact of this variant on RAD50 protein function. In summary, the available evidence is currently insufficient to determine the role of this variant in disease. Therefore, it has been classified as a Variant of Uncertain Significance. This sequence change replaces arginine, which is basic and polar, with glycine, which is neutral and non-polar, at codon 558 of the RAD50 protein (p.Arg558Gly).